The following is an entry in ClinVar:

NM_001077418.3(TMEM231):c.445G>C (p.Ala149Pro)

Gene: TMEM231 (transmembrane protein 231; minus strand). Cytogenetic location: 16q23.1.
Variant type: single nucleotide variant.
Coding change: c.445G>C on transcript NM_001077418.3 (MANE Select); coding-DNA position 445, G replaced by C.
Protein change: p.Ala149Pro; replaces alanine 149 with proline.
Molecular consequence: missense variant. On other transcripts: non-coding transcript variant (1).
Genome position (GRCh38, 1-based): chr16:75,545,489, C>G on the plus strand (G>C on the coding strand, the complement: TMEM231 is on the minus strand). VCF-style: chr16-75545489-C-G. GRCh37 (hg19) VCF-style: chr16-75579387-C-G.
Other names: c.604G>C, p.Ala202Pro (NM_001077416.2); c.532G>C (NM_001077416.1); short protein forms A202P, A149P.
Identifiers: ClinVar variation 1952726 (VCV001952726.3), dbSNP rs761206046, ClinGen allele CA8176188.

ClinVar aggregate classification (germline): Uncertain significance. Review status: criteria provided, multiple submitters, no conflicts (2 of 4 stars). 2 submissions from 2 submitters: Uncertain significance (2). Last evaluated 2025-05-14.

Conditions:
Inborn genetic diseases. Identifiers: MedGen C0950123, MeSH D030342.
Joubert syndrome 20 (JBTS20). Identifiers: Orphanet 475, MedGen C3554235, MONDO:0013994, OMIM 614970.
Meckel syndrome, type 11 (MKS11). Identifiers: Orphanet 564, MedGen C3809352, MONDO:0014164, OMIM 615397.

Allele frequency attached by ClinVar (database versions not stated): gnomAD 0.00002.
gnomAD v4.1: 5 of 1,558,766 alleles (0.00032%); highest among the groups gnomAD compares: Non-Finnish European, 0.00044%; no homozygotes.

Submissions (2):

Ambry Genetics
Classification: Uncertain significance for Inborn genetic diseases. Last evaluated: 2025-05-14. Review status: criteria provided, single submitter. Criteria: Ambry Variant Classification Scheme 2023. Collection method: clinical testing. Allele origin: germline.

Labcorp Genetics (formerly Invitae), Labcorp
Classification: Uncertain significance for Joubert syndrome 20; Meckel syndrome, type 11. Last evaluated: 2022-01-16. Review status: criteria provided, single submitter. Criteria: Invitae Variant Classification Sherloc (09022015). Collection method: clinical testing. Allele origin: germline.
Comment: This sequence change replaces alanine, which is neutral and non-polar, with proline, which is neutral and non-polar, at codon 202 of the TMEM231 protein (p.Ala202Pro). This variant is present in population databases (rs761206046, gnomAD 0.003%). This variant has not been reported in the literature in individuals affected with TMEM231-related conditions. Algorithms developed to predict the effect of missense changes on protein structure and function are either unavailable or do not agree on the potential impact of this missense change (SIFT: "Tolerated"; PolyPhen-2: "Not Available"; Align-GVGD: "Class C0"). In summary, the available evidence is currently insufficient to determine the role of this variant in disease. Therefore, it has been classified as a Variant of Uncertain Significance.